The following is an entry in ClinVar:

ClinVar aggregate classification (germline): Uncertain significance (1 of 4 stars; one submission).

Conditions:
Nephronophthisis. Also called: Juvenile Nephronophthisis. Identifiers: Orphanet 655, MedGen C0687120, MONDO:0019005, HP:0000090.

Allele frequency attached by ClinVar (database versions not stated): gnomAD 0.00001.

Submission:

Labcorp Genetics (formerly Invitae), Labcorp
Classification: Uncertain significance for Nephronophthisis. Last evaluated: 2022-07-14. Review status: criteria provided, single submitter. Criteria: Invitae Variant Classification Sherloc (09022015). Collection method: clinical testing. Allele origin: germline.
Comment: In summary, the available evidence is currently insufficient to determine the role of this variant in disease. Therefore, it has been classified as a Variant of Uncertain Significance. Algorithms developed to predict the effect of sequence changes on RNA splicing suggest that this variant is not likely to affect RNA splicing. This variant has not been reported in the literature in individuals affected with NPHP1-related conditions. This variant is present in population databases (no rsID available, gnomAD 0.007%). This sequence change affects codon 479 of the NPHP1 mRNA. It is a 'silent' change, meaning that it does not change the encoded amino acid sequence of the NPHP1 protein. It affects a nucleotide within the consensus splice site.

NM_001128178.3(NPHP1):c.1269T>C (p.Asn423=)

Gene: NPHP1 (nephrocystin 1; minus strand). Cytogenetic location: 2q13.
Variant type: single nucleotide variant.
Coding change: c.1269T>C on transcript NM_001128178.3 (MANE Select); coding-DNA position 1269, T replaced by C.
Protein change: p.Asn423=; no amino-acid change (asparagine 423 retained).
Molecular consequence: synonymous variant.
Genome position (GRCh38, 1-based): chr2:110,147,916, A>G on the plus strand (T>C on the coding strand, the complement: NPHP1 is on the minus strand). VCF-style: chr2-110147916-A-G. GRCh37 (hg19) VCF-style: chr2-110905493-A-G.
Other names: c.1437T>C, p.Asn479= (NM_000272.5); c.1080T>C, p.Asn360= (NM_001128179.3); c.1266T>C, p.Asn422= (NM_001374256.1); c.1269T>C, p.Asn423= (NM_001374257.1); c.1434T>C, p.Asn478= (NM_207181.4).
Identifiers: ClinVar variation 2047458 (VCV002047458.4), dbSNP rs1199759441, ClinGen allele CA427925708.